The following is an entry in ClinVar:

NM_025081.3(NYNRIN):c.2916T>C (p.Thr972=)

Gene: NYNRIN (NYN domain and retroviral integrase containing; plus strand). Cytogenetic location: 14q12.
Variant type: single nucleotide variant.
Coding change: c.2916T>C on transcript NM_025081.3 (MANE Select); coding-DNA position 2916, T replaced by C.
Protein change: p.Thr972=; no amino-acid change (threonine 972 retained).
Molecular consequence: synonymous variant.
Genome position (GRCh38, 1-based): chr14:24,414,665, T>C. VCF-style: chr14-24414665-T-C. GRCh37 (hg19) VCF-style: chr14-24883871-T-C.
Identifiers: ClinVar variation 3771742 (VCV003771742.13).

ClinVar aggregate classification (germline): Likely benign (1 of 4 stars; one submission).

gnomAD v4.1: 1 of 1,613,748 alleles (0.000062%); no homozygotes.

Submission:

CeGaT Center for Human Genetics Tuebingen
Classification: Likely benign. Last evaluated: 2025-02-01. Review status: criteria provided, single submitter. Criteria: CeGaT Center For Human Genetics Tuebingen Variant Classification Criteria Version 2. Collection method: clinical testing. Allele origin: germline. Affected: yes. Observed: 1 variant allele.
Comment: NYNRIN: BP4, BP7